The following is an entry in ClinVar:

NM_000540.3(RYR1):c.13598A>C (p.Lys4533Thr)

Gene: RYR1 (ryanodine receptor 1; plus strand). Cytogenetic location: 19q13.2.
Variant type: single nucleotide variant.
Coding change: c.13598A>C on transcript NM_000540.3 (MANE Select); coding-DNA position 13598, A replaced by C.
Protein change: p.Lys4533Thr; replaces lysine 4533 with threonine.
Molecular consequence: missense variant.
Genome position (GRCh38, 1-based): chr19:38,567,856, A>C. VCF-style: chr19-38567856-A-C. GRCh37 (hg19) VCF-style: chr19-39058496-A-C.
Other names: c.13583A>C, p.Lys4528Thr (NM_001042723.2); short protein forms K4528T, K4533T.
Identifiers: ClinVar variation 3069643 (VCV003069643.1), dbSNP rs2514694412, ClinGen allele CA405677897.

ClinVar aggregate classification (germline): Uncertain significance (1 of 4 stars; one submission).

Conditions:
Malignant hyperthermia, susceptibility to, 1 (MHS1). Also called: RYR1-Related Malignant Hyperthermia Susceptibility; Anesthesia related hyperthermia; Malignant hyperpyrexia; Fulminating hyperpyrexia; Pharmacogenic myopathy; Malignant hyperthermia suceptibility 1. Identifiers: Orphanet 423, MedGen C2930980, MONDO:0007783, OMIM 145600.

gnomAD v4.1: 1 of 1,613,922 alleles (0.000062%); no homozygotes.

Submission:

All of Us Research Program, National Institutes of Health
Classification: Uncertain significance for Malignant hyperthermia, susceptibility to, 1. Last evaluated: 2023-02-24. Review status: criteria provided, single submitter. Criteria: ACMG Guidelines, 2015. Collection method: clinical testing. Allele origin: germline. Inheritance: Autosomal dominant inheritance. Observed: 1 variant allele, 1 heterozygote.
Comment: This missense variant replaces lysine with threonine at codon 4533 of the RYR1 protein. Computational prediction is inconclusive regarding the impact of this variant on protein structure and function (internally defined REVEL score threshold 0.5 < inconclusive < 0.7, PMID: 27666373). To our knowledge, functional studies have not been reported for this variant. This variant has not been reported in individuals affected with RYR1-related disorders in the literature. This variant has not been identified in the general population by the Genome Aggregation Database (gnomAD). The available evidence is insufficient to determine the role of this variant in disease conclusively. Therefore, this variant is classified as a Variant of Uncertain Significance.

This study involves interpretation of variants in research participants for the purpose of population health screening. Participant phenotype was not available at the time of variant classification. Additional details can be found in publication PMID: 35346344, PMCID: PMC8962531